The following is an entry in ClinVar:

NM_002180.3(IGHMBP2):c.2532G>T (p.Ala844=)

Gene: IGHMBP2 (immunoglobulin mu DNA binding protein 2; plus strand). Cytogenetic location: 11q13.3.
Variant type: single nucleotide variant.
Coding change: c.2532G>T on transcript NM_002180.3 (MANE Select); coding-DNA position 2532, G replaced by T.
Protein change: p.Ala844=; no amino-acid change (alanine 844 retained).
Molecular consequence: synonymous variant.
Genome position (GRCh38, 1-based): chr11:68,937,012, G>T. VCF-style: chr11-68937012-G-T. GRCh37 (hg19) VCF-style: chr11-68704480-G-T.
Other names: p.Ala844=.
Identifiers: ClinVar variation 305856 (VCV000305856.19), dbSNP rs2228207, ClinGen allele CA6153931.

ClinVar aggregate classification (germline): Conflicting classifications of pathogenicity. Review status: criteria provided, conflicting classifications (1 of 4 stars). 7 submissions from 7 submitters: Uncertain significance (1); Likely benign (6). Last evaluated 2026-01-22.

Conditions:
Inborn genetic diseases. Identifiers: MedGen C0950123, MeSH D030342.
Charcot-Marie-Tooth disease. Also called: Charcot-Marie-Tooth Hereditary Neuropathy; Charcot-Marie-Tooth Neuropathy. Identifiers: Orphanet 166, MedGen C0007959, MONDO:0015626.
Autosomal recessive distal spinal muscular atrophy 1. Also called: NEURONOPATHY, DISTAL HEREDITARY MOTOR, HARDING TYPE VI; NEUROPATHY, DISTAL HEREDITARY MOTOR, AUTOSOMAL RECESSIVE 1; Spinal muscular atrophy with respiratory distress 1; NEURONOPATHY, SEVERE INFANTILE AXONAL, WITH RESPIRATORY FAILURE; SEVERE INFANTILE AXONAL NEUROPATHY WITH RESPIRATORY FAILURE; SPINAL MUSCULAR ATROPHY, DIAPHRAGMATIC. Identifiers: Orphanet 98920, MedGen C1858517, MONDO:0011436, OMIM 604320.
Charcot-Marie-Tooth disease axonal type 2S. Also called: CHARCOT-MARIE-TOOTH DISEASE, AXONAL, AUTOSOMAL RECESSIVE, TYPE 2S; CHARCOT-MARIE-TOOTH NEUROPATHY, TYPE 2S. Identifiers: Orphanet 443073, MedGen C4015349, MONDO:0014511, OMIM 616155.
IGHMBP2-related disorder. Also called: IGHMBP2-related disorders; IGHMBP2-related condition.

Allele frequency attached by ClinVar (database versions not stated): TOPMed 0.00011.
gnomAD v4.1: 316 of 1,608,370 alleles (0.02%); highest among the groups gnomAD compares: Non-Finnish European, 0.023%; no homozygotes.

Submissions (7):

Labcorp Genetics (formerly Invitae), Labcorp
Classification: Likely benign for Autosomal recessive distal spinal muscular atrophy 1; Charcot-Marie-Tooth disease axonal type 2S. Last evaluated: 2026-01-22. Review status: criteria provided, single submitter. Criteria: Invitae Variant Classification Sherloc (09022015). Collection method: clinical testing. Allele origin: germline.

PreventionGenetics, part of Exact Sciences
Classification: Likely benign for IGHMBP2-related condition. Last evaluated: 2025-12-11. Review status: criteria provided, single submitter. Criteria: ACMG Guidelines, 2015. Collection method: clinical testing. Allele origin: germline.
Comment: This variant is classified as likely benign based on ACMG/AMP sequence variant interpretation guidelines (Richards et al. 2015 PMID: 25741868, with internal and published modifications).

Mayo Clinic Laboratories, Mayo Clinic
Classification: Likely benign. Last evaluated: 2025-08-29. Review status: criteria provided, single submitter. Criteria: ACMG Guidelines, 2015. Collection method: clinical testing. Allele origin: germline. Observed: 1 variant allele.
Comment: BP4, BP7

Ambry Genetics
Classification: Likely benign for Inborn genetic diseases. Last evaluated: 2019-07-11. Review status: criteria provided, single submitter. Criteria: Ambry Variant Classification Scheme 2023. Collection method: clinical testing. Allele origin: germline.

Illumina Laboratory Services, Illumina
Classification: Uncertain significance for Autosomal recessive distal spinal muscular atrophy 1. Last evaluated: 2018-01-13. Review status: criteria provided, single submitter. Criteria: ICSL Variant Classification Criteria 13 December 2019. Collection method: clinical testing. Allele origin: germline.

GeneDx
Classification: Likely benign. Last evaluated: 2015-11-10. Review status: criteria provided, single submitter. Criteria: GeneDx Variant Classification (06012015). Collection method: clinical testing. Allele origin: germline. Affected: yes.
Comment: This variant is considered likely benign or benign based on one or more of the following criteria: it is a conservative change, it occurs at a poorly conserved position in the protein, it is predicted to be benign by multiple in silico algorithms, and/or has population frequency not consistent with disease.

Molecular Genetics Laboratory, London Health Sciences Centre
Classification: Likely benign for Charcot-Marie-Tooth disease. Review status: criteria provided, single submitter. Criteria: ACMG Guidelines, 2015. Collection method: clinical testing. Allele origin: germline. Affected: yes.